The following is an entry in ClinVar:

ClinVar aggregate classification (germline): Pathogenic. Review status: criteria provided, multiple submitters, no conflicts (2 of 4 stars). 3 submissions from 3 submitters: Pathogenic (2). 1 of the submissions does not count toward it. Last evaluated 2026-02-04.

Conditions:
Holocarboxylase synthetase deficiency. Also called: MULTIPLE CARBOXYLASE DEFICIENCY, EARLY ONSET. Identifiers: Orphanet 79242, MedGen C0268581, MONDO:0009666, OMIM 253270.

Allele frequency attached by ClinVar (database versions not stated): gnomAD exomes 0.00001; ExAC 0.00002.

Submissions (3):

Labcorp Genetics (formerly Invitae), Labcorp
Classification: Pathogenic for Holocarboxylase synthetase deficiency. Last evaluated: 2026-02-04. Review status: criteria provided, single submitter. Criteria: Invitae Variant Classification Sherloc (09022015). Collection method: clinical testing. Allele origin: germline.
Comment: This sequence change creates a premature translational stop signal (p.Ile219Asnfs*58) in the HLCS gene. It is expected to result in an absent or disrupted protein product. Loss-of-function variants in HLCS are known to be pathogenic (PMID: 16134170). This variant is present in population databases (rs773102942, gnomAD 0.02%). This premature translational stop signal has been observed in individuals with holocarboxylase synthetase deficiency (PMID: 11735028). This variant is also known as 655–656insA. ClinVar contains an entry for this variant (Variation ID: 1913). For these reasons, this variant has been classified as Pathogenic.

Baylor Genetics
Classification: Pathogenic for Holocarboxylase synthetase deficiency. Last evaluated: 2024-01-23. Review status: criteria provided, single submitter. Criteria: ACMG Guidelines, 2015. Collection method: clinical testing. Allele origin: unknown.

OMIM
Classification: Pathogenic for HOLOCARBOXYLASE SYNTHETASE DEFICIENCY. Last evaluated: 2001-11-01. Review status: no assertion criteria provided. Collection method: literature only. Allele origin: germline. Not counted in ClinVar's aggregate classification.

Literature cited by the submitters: PubMed 16134170 (cited by Labcorp Genetics (formerly Invitae), Labcorp); PubMed 11735028 (cited by Labcorp Genetics (formerly Invitae), Labcorp and OMIM).

NM_001352514.2(HLCS):c.1096dup (p.Ile366fs)

Gene: HLCS (holocarboxylase synthetase; minus strand). Cytogenetic location: 21q22.13.
Variant type: Duplication.
Coding change: c.1096dup on transcript NM_001352514.2 (MANE Select); coding-DNA position 1096, one base duplicated (A; older notation c.1096dupA).
Protein change: p.Ile366fs; shifts the reading frame from isoleucine 366.
Molecular consequence: frameshift variant. On other transcripts: non-coding transcript variant (2).
Genome position (GRCh38, 1-based): chr21:36,936,790, T duplicated on the plus strand (A on the coding strand, the reverse complement: HLCS is on the minus strand). VCF-style (leftmost placement, unchanged base first): chr21-36936789-A-AT. GRCh37 (hg19) VCF-style: chr21-38309089-A-AT.
Other names: c.655dupA (NM_000411.6); c.655dup, p.Ile219fs (NM_000411.8, NM_001242784.3, NM_001242785.2 and 4 more transcripts); short protein forms I366fs, I219fs.
Identifiers: ClinVar variation 1913 (VCV000001913.8), dbSNP rs773102942, ClinGen allele CA278024.